The following is an entry in ClinVar:

NM_001042492.3(NF1):c.1614G>A (p.Met538Ile)

Gene: NF1 (neurofibromin 1; plus strand). Cytogenetic location: 17q11.2.
Variant type: single nucleotide variant.
Coding change: c.1614G>A on transcript NM_001042492.3 (MANE Select); coding-DNA position 1614, G replaced by A.
Protein change: p.Met538Ile; replaces methionine 538 with isoleucine.
Molecular consequence: missense variant.
Genome position (GRCh38, 1-based): chr17:31,219,091, G>A. VCF-style: chr17-31219091-G-A. GRCh37 (hg19) VCF-style: chr17-29546109-G-A.
Other names: c.1614G>A, p.Met538Ile (NM_000267.4, NM_001128147.3); short protein forms M538I.
Identifiers: ClinVar variation 1776459 (VCV001776459.3), dbSNP rs2544840849, ClinGen allele CA399002033.

ClinVar aggregate classification (germline): Uncertain significance (1 of 4 stars; one submission).

Conditions:
Cardiovascular phenotype. Identifiers: MedGen CN230736.
Hereditary cancer-predisposing syndrome. Also called: Neoplastic Syndromes, Hereditary; Tumor predisposition; Hereditary Cancer Syndrome; Hereditary neoplastic syndrome. Identifiers: Orphanet 140162, MedGen C0027672, MeSH D009386, MONDO:0015356.

Submission:

Ambry Genetics
Classification: Uncertain significance for Cardiovascular phenotype; Hereditary cancer-predisposing syndrome. Last evaluated: 2025-02-07. Review status: criteria provided, single submitter. Criteria: Ambry Variant Classification Scheme 2023. Collection method: clinical testing. Allele origin: germline.
Comment: The p.M538I variant (also known as c.1614G>A), located in coding exon 14 of the NF1 gene, results from a G to A substitution at nucleotide position 1614. The methionine at codon 538 is replaced by isoleucine, an amino acid with highly similar properties. This amino acid position is well conserved in available vertebrate species. In addition, this alteration is predicted to be tolerated by in silico analysis. Based on the available evidence, the clinical significance of this variant remains unclear.